The following is an entry in ClinVar:

ClinVar aggregate classification (germline): Conflicting classifications of pathogenicity. Review status: criteria provided, conflicting classifications (1 of 4 stars). 3 submissions from 3 submitters: Uncertain significance (1); Likely benign (1). 1 of the submissions does not count toward it. Last evaluated 2026-01-01.

Conditions:
Microcephaly 1, primary, autosomal recessive (MCPH1). Also called: PREMATURE CHROMOSOME CONDENSATION SYNDROME; PCC SYNDROME; PREMATURE CHROMOSOME CONDENSATION WITH MICROCEPHALY AND MENTAL RETARDATION. Identifiers: Orphanet 2512, MedGen C1855081, MONDO:0009617, OMIM 251200.
MCPH1-related disorder. Also called: MCPH1-related condition.

Allele frequency attached by ClinVar (database versions not stated): gnomAD 0.00001; ExAC 0.00002; gnomAD exomes 0.00002; TOPMed 0.00002.
gnomAD v4.1: 90 of 1,613,726 alleles (0.0056%); highest among the groups gnomAD compares: Non-Finnish European, 0.0071%; no homozygotes.

Submissions (3):

Labcorp Genetics (formerly Invitae), Labcorp
Classification: Likely benign. Last evaluated: 2026-01-01. Review status: criteria provided, single submitter. Criteria: Invitae Variant Classification Sherloc (09022015). Collection method: clinical testing. Allele origin: germline.

Illumina Laboratory Services, Illumina
Classification: Uncertain significance for Microcephaly 1, primary, autosomal recessive. Last evaluated: 2018-01-13. Review status: criteria provided, single submitter. Criteria: ICSL Variant Classification Criteria 13 December 2019. Collection method: clinical testing. Allele origin: germline.

PreventionGenetics, part of Exact Sciences
Classification: Likely benign for MCPH1-related condition. Last evaluated: 2023-12-20. Review status: no assertion criteria provided. Collection method: clinical testing. Allele origin: germline. Not counted in ClinVar's aggregate classification.
Comment: This variant is classified as likely benign based on ACMG/AMP sequence variant interpretation guidelines (Richards et al. 2015 PMID: 25741868, with internal and published modifications).

NM_024596.5(MCPH1):c.192G>A (p.Gln64=)

Gene: MCPH1 (microcephalin 1; plus strand). Cytogenetic location: 8p23.1.
Variant type: single nucleotide variant.
Coding change: c.192G>A on transcript NM_024596.5 (MANE Select); coding-DNA position 192, G replaced by A.
Protein change: p.Gln64=; no amino-acid change (glutamine 64 retained).
Molecular consequence: synonymous variant. On other transcripts: non-coding transcript variant (1).
Genome position (GRCh38, 1-based): chr8:6,414,842, G>A. VCF-style: chr8-6414842-G-A. GRCh37 (hg19) VCF-style: chr8-6272363-G-A.
Other names: c.192G>A, p.Gln64= (NM_001172575.2, NM_001322042.2, NM_001363979.1 and 2 more transcripts); c.186G>A, p.Gln62= (NM_001322043.2); c.90G>A, p.Gln30= (NM_001322045.2); c.192G>A (NM_001322042.1).
Identifiers: ClinVar variation 911996 (VCV000911996.9), dbSNP rs767548647, ClinGen allele CA4610101.